The following is an entry in ClinVar:

NM_182914.3(SYNE2):c.13422+6T>C

Gene: SYNE2 (spectrin repeat containing nuclear envelope protein 2; plus strand). Cytogenetic location: 14q23.2.
Variant type: single nucleotide variant.
Coding change: c.13422+6T>C on transcript NM_182914.3 (MANE Select); 6 bases into the intron after coding-DNA position 13422, T replaced by C.
Molecular consequence: intron variant.
Genome position (GRCh38, 1-based): chr14:64,122,433, T>C. VCF-style: chr14-64122433-T-C. GRCh37 (hg19) VCF-style: chr14-64589151-T-C.
Other names: c.13422+6T>C (NM_015180.6).
Identifiers: ClinVar variation 859378 (VCV000859378.9), dbSNP rs1451114476, ClinGen allele CA614735244.

ClinVar aggregate classification (germline): Uncertain significance (1 of 4 stars; one submission).

Conditions:
Emery-Dreifuss muscular dystrophy 5, autosomal dominant (EDMD5). Also called: EMERY-DREIFUSS MUSCULAR DYSTROPHY 5. Identifiers: Orphanet 261, MedGen C2751805, MONDO:0013072, OMIM 612999.

Allele frequency attached by ClinVar (database versions not stated): gnomAD 0.00001; gnomAD exomes 0.00003.
gnomAD v4.1: 42 of 1,614,062 alleles (0.0026%); highest among the groups gnomAD compares: Non-Finnish European, 0.0035%; no homozygotes.

Submission:

Labcorp Genetics (formerly Invitae), Labcorp
Classification: Uncertain significance for Emery-Dreifuss muscular dystrophy 5, autosomal dominant. Last evaluated: 2019-11-19. Review status: criteria provided, single submitter. Criteria: Invitae Variant Classification Sherloc (09022015). Collection method: clinical testing. Allele origin: germline.
Comment: In summary, the available evidence is currently insufficient to determine the role of this variant in disease. Therefore, it has been classified as a Variant of Uncertain Significance. Nucleotide substitutions within the consensus splice site are a relatively common cause of aberrant splicing (PMID: 17576681, 9536098). Algorithms developed to predict the effect of sequence changes on RNA splicing suggest that this variant may disrupt the consensus splice site, but this prediction has not been confirmed by published transcriptional studies. This variant has not been reported in the literature in individuals with SYNE2-related conditions. This variant is not present in population databases (ExAC no frequency). This sequence change falls in intron 70 of the SYNE2 gene. It does not directly change the encoded amino acid sequence of the SYNE2 protein, but it affects a nucleotide within the consensus splice site of the intron.

Literature cited by the submitters: PubMed 17576681; PubMed 9536098.